The following is an entry in ClinVar:

NM_001039141.3(TRIOBP):c.6324+233C>G

Gene: TRIOBP (TRIO and F-actin binding protein; plus strand). Cytogenetic location: 22q13.1.
Variant type: single nucleotide variant.
Coding change: c.6324+233C>G on transcript NM_001039141.3 (MANE Select); 233 bases into the intron after coding-DNA position 6324, C replaced by G.
Molecular consequence: intron variant. On other transcripts: synonymous variant (1).
Genome position (GRCh38, 1-based): chr22:37,759,497, C>G. VCF-style: chr22-37759497-C-G. GRCh37 (hg19) VCF-style: chr22-38155504-C-G.
Other names: c.1266C>G, p.Thr422= (NM_138632.2); c.1185+233C>G (NM_007032.5).
Identifiers: ClinVar variation 666771 (VCV000666771.4), dbSNP rs757097829, ClinGen allele CA10224983.

ClinVar aggregate classification (germline): Likely benign (1 of 4 stars; one submission).

Allele frequency attached by ClinVar (database versions not stated): gnomAD 0.00001; TOPMed 0.00001; gnomAD exomes 0.00002; ExAC 0.00005.
gnomAD v4.1: 24 of 1,606,594 alleles (0.0015%); highest among the groups gnomAD compares: Middle Eastern, 0.033%; 1 homozygote.

Submission:

Laboratory for Molecular Medicine, Mass General Brigham Personalized Medicine
Classification: Likely benign. Last evaluated: 2017-08-23. Review status: criteria provided, single submitter. Criteria: LMM Criteria. Collection method: clinical testing. Allele origin: germline. Observed: 1 variant allele.
Comment: p.Thr422Thr in exon 17 of TRIOBP: This variant is not expected to have clinical significance because it does not alter an amino acid residue and is not located within the splice consensus sequence. It has been identified in 0.02% (4/16498) of South Asian chromosomes by the Exome Aggregation Consortium (ExAC; dbSNP rs757097829).